The following is an entry in ClinVar:

NM_032608.7(MYO18B):c.346G>A (p.Asp116Asn)

Gene: MYO18B (myosin XVIIIB; plus strand). Cytogenetic location: 22q12.1.
Variant type: single nucleotide variant.
Coding change: c.346G>A on transcript NM_032608.7 (MANE Select); coding-DNA position 346, G replaced by A.
Protein change: p.Asp116Asn; replaces aspartic acid 116 with asparagine.
Molecular consequence: missense variant.
Genome position (GRCh38, 1-based): chr22:25,768,262, G>A. VCF-style: chr22-25768262-G-A. GRCh37 (hg19) VCF-style: chr22-26164229-G-A.
Other names: c.346G>A (NM_032608.5); c.346G>A, p.Asp116Asn (NM_001318245.2); short protein forms D116N.
Identifiers: ClinVar variation 1351297 (VCV001351297.9), dbSNP rs1479705925, ClinGen allele CA411001300.
Genomic context (GRCh38, chr22:25,768,262, plus strand): 5'-TCAAGCTCTCCTGGGAGCTCAGACATTCTGGGCAAGGAGAGCGAGGGGTCCCGCAGCCCC[G>A]ACCCTGAGCAGATGACAAGCATCAATGGTGAGAAGGCCCAGGAGCTGGGCTCCAGTGCGA-3'
Protein context (NP_115997.5, residues 106-126): GKESEGSRSP[Asp116Asn]PEQMTSINGE

ClinVar aggregate classification (germline): Uncertain significance. Review status: criteria provided, multiple submitters, no conflicts (2 of 4 stars). 2 submissions from 2 submitters: Uncertain significance (2). Last evaluated 2025-04-12.

Conditions:
Inborn genetic diseases. Identifiers: MedGen C0950123, MeSH D030342.

Allele frequency attached by ClinVar (database versions not stated): gnomAD exomes below 0.00001; gnomAD 0.00001.
gnomAD v4.1: 7 of 1,613,852 alleles (0.00043%); highest among the groups gnomAD compares: East Asian, 0.0022%; no homozygotes.

Submissions (2):

Ambry Genetics
Classification: Uncertain significance for Inborn genetic diseases. Last evaluated: 2025-04-12. Review status: criteria provided, single submitter. Criteria: Ambry Variant Classification Scheme 2023. Collection method: clinical testing. Allele origin: germline.

Labcorp Genetics (formerly Invitae), Labcorp
Classification: Uncertain significance. Last evaluated: 2021-06-19. Review status: criteria provided, single submitter. Criteria: Invitae Variant Classification Sherloc (09022015). Collection method: clinical testing. Allele origin: germline.
Comment: In summary, the available evidence is currently insufficient to determine the role of this variant in disease. Therefore, it has been classified as a Variant of Uncertain Significance. Algorithms developed to predict the effect of missense changes on protein structure and function output the following: SIFT: "Not Available"; PolyPhen-2: "Benign"; Align-GVGD: "Not Available". The asparagine amino acid residue is found in multiple mammalian species, suggesting that this missense change does not adversely affect protein function. These predictions have not been confirmed by published functional studies and their clinical significance is uncertain. This variant has not been reported in the literature in individuals with MYO18B-related conditions. This variant is not present in population databases (ExAC no frequency). This sequence change replaces aspartic acid with asparagine at codon 116 of the MYO18B protein (p.Asp116Asn). The aspartic acid residue is weakly conserved and there is a small physicochemical difference between aspartic acid and asparagine.